The following is an entry in ClinVar:

NM_000423.3(KRT2):c.1442G>A (p.Arg481His)

Gene: KRT2 (keratin 2; minus strand). Cytogenetic location: 12q13.13.
Variant type: single nucleotide variant.
Coding change: c.1442G>A on transcript NM_000423.3 (MANE Select); coding-DNA position 1442, G replaced by A.
Protein change: p.Arg481His; replaces arginine 481 with histidine.
Molecular consequence: missense variant.
Genome position (GRCh38, 1-based): chr12:52,646,767, C>T on the plus strand (G>A on the coding strand, the complement: KRT2 is on the minus strand). VCF-style: chr12-52646767-C-T. GRCh37 (hg19) VCF-style: chr12-53040551-C-T.
Other names: short protein forms R481H.
Identifiers: ClinVar variation 4692395 (VCV004692395.1).

ClinVar aggregate classification (germline): Uncertain significance (1 of 4 stars; one submission).

Submission:

Labcorp Genetics (formerly Invitae), Labcorp
Classification: Uncertain significance. Last evaluated: 2025-12-26. Review status: criteria provided, single submitter. Criteria: Invitae Variant Classification Sherloc (09022015). Collection method: clinical testing. Allele origin: germline.
Comment: This sequence change replaces arginine, which is basic and polar, with histidine, which is basic and polar, at codon 481 of the KRT2 protein (p.Arg481His). This variant is present in population databases (rs376665068, gnomAD 0.01%). This variant has not been reported in the literature in individuals affected with KRT2-related conditions. Invitae Evidence Modeling of protein sequence and biophysical properties (such as structural, functional, and spatial information, amino acid conservation, physicochemical variation, residue mobility, and thermodynamic stability) indicates that this missense variant is not expected to disrupt KRT2 protein function with a negative predictive value of 80%. In summary, the available evidence is currently insufficient to determine the role of this variant in disease. Therefore, it has been classified as a Variant of Uncertain Significance.